The following is an entry in ClinVar:

ClinVar aggregate classification (germline): Uncertain significance (1 of 4 stars; one submission).

Conditions:
Epileptic encephalopathy. Identifiers: MedGen C0543888, HP:0200134.

Submission:

Labcorp Genetics (formerly Invitae), Labcorp
Classification: Uncertain significance for Epileptic encephalopathy. Last evaluated: 2023-10-27. Review status: criteria provided, single submitter. Criteria: Invitae Variant Classification Sherloc (09022015). Collection method: clinical testing. Allele origin: germline.
Comment: This sequence change replaces lysine, which is basic and polar, with arginine, which is basic and polar, at codon 244 of the GABBR2 protein (p.Lys244Arg). This variant is not present in population databases (gnomAD no frequency). This variant has not been reported in the literature in individuals affected with GABBR2-related conditions. An algorithm developed to predict the effect of missense changes on protein structure and function (PolyPhen-2) suggests that this variant is likely to be disruptive. In summary, the available evidence is currently insufficient to determine the role of this variant in disease. Therefore, it has been classified as a Variant of Uncertain Significance.

NM_005458.8(GABBR2):c.731A>G (p.Lys244Arg)

Genes: GABBR2 (gamma-aminobutyric acid type B receptor subunit 2; minus strand), LOC126860700 (CDK7 strongly-dependent group 2 enhancer GRCh37_chr9:101257622-101258821; plus strand). Cytogenetic location: 9q22.33.
Variant type: single nucleotide variant.
Coding change: c.731A>G on transcript NM_005458.8 (MANE Select); coding-DNA position 731, A replaced by G.
Protein change: p.Lys244Arg; replaces lysine 244 with arginine.
Molecular consequence: missense variant.
Genome position (GRCh38, 1-based): chr9:98,496,414, T>C on the plus strand (A>G on the coding strand, the complement: GABBR2 is on the minus strand). VCF-style: chr9-98496414-T-C. GRCh37 (hg19) VCF-style: chr9-101258696-T-C.
Other names: short protein forms K244R.
Identifiers: ClinVar variation 2795524 (VCV002795524.3), dbSNP rs2490007142, ClinGen allele CA374349170.